The following is an entry in ClinVar:

ClinVar aggregate classification (germline): Likely benign (0 of 4 stars; one submission).

Conditions:
MYH2-related disorder. Also called: MYH2-related condition.

Allele frequency attached by ClinVar (database versions not stated): TOPMed below 0.00001.
gnomAD v4.1: 2 of 1,614,106 alleles (0.00012%); no homozygotes.

Submission:

PreventionGenetics, part of Exact Sciences
Classification: Likely benign for MYH2-related condition. Last evaluated: 2022-09-29. Review status: no assertion criteria provided. Collection method: clinical testing. Allele origin: germline.
Comment: This variant is classified as likely benign based on ACMG/AMP sequence variant interpretation guidelines (Richards et al. 2015 PMID: 25741868, with internal and published modifications).

NM_017534.6(MYH2):c.4410T>C (p.His1470=)

Genes: MYH2 (myosin heavy chain 2; minus strand), MYHAS (myosin heavy chain gene cluster antisense RNA; plus strand), LOC126862500 (BRD4-independent group 4 enhancer GRCh37_chr17:10427829-10429028; plus strand). Cytogenetic location: 17p13.1.
Variant type: single nucleotide variant.
Coding change: c.4410T>C on transcript NM_017534.6 (MANE Select); coding-DNA position 4410, T replaced by C.
Protein change: p.His1470=; no amino-acid change (histidine 1470 retained).
Molecular consequence: synonymous variant.
Genome position (GRCh38, 1-based): chr17:10,525,578, A>G on the plus strand (T>C on the coding strand, the complement: MYH2 is on the minus strand). VCF-style: chr17-10525578-A-G. GRCh37 (hg19) VCF-style: chr17-10428895-A-G.
Other names: c.4410T>C, p.His1470= (NM_001100112.2).
Identifiers: ClinVar variation 3050533 (VCV003050533.2), dbSNP rs1489247777, ClinGen allele CA497976098.